The following is an entry in ClinVar:

NM_001009552.2(PPP2CB):c.480T>C (p.Asp160=)

Gene: PPP2CB (protein phosphatase 2 catalytic subunit beta; minus strand). Cytogenetic location: 8p12.
Variant type: single nucleotide variant.
Coding change: c.480T>C on transcript NM_001009552.2 (MANE Select); coding-DNA position 480, T replaced by C.
Protein change: p.Asp160=; no amino-acid change (aspartic acid 160 retained).
Molecular consequence: synonymous variant.
Genome position (GRCh38, 1-based): chr8:30,797,587, A>G on the plus strand (T>C on the coding strand, the complement: PPP2CB is on the minus strand). VCF-style: chr8-30797587-A-G. GRCh37 (hg19) VCF-style: chr8-30655103-A-G.
Identifiers: ClinVar variation 2658518 (VCV002658518.24), dbSNP rs762147715, ClinGen allele CA4701971.

ClinVar aggregate classification (germline): Likely benign (1 of 4 stars; one submission).

Allele frequency attached by ClinVar (database versions not stated): TOPMed below 0.00001; gnomAD 0.00001; gnomAD exomes 0.00002; ExAC 0.00004.
gnomAD v4.1: 35 of 1,612,226 alleles (0.0022%); highest among the groups gnomAD compares: South Asian, 0.023%; no homozygotes.

Submission:

CeGaT Center for Human Genetics Tuebingen
Classification: Likely benign. Last evaluated: 2022-04-01. Review status: criteria provided, single submitter. Criteria: CeGaT Center For Human Genetics Tuebingen Variant Classification Criteria Version 2. Collection method: clinical testing. Allele origin: germline. Affected: yes. Observed: 1 variant allele.
Comment: PPP2CB: BP4, BP7